The following is an entry in ClinVar:

NM_001035.3(RYR2):c.3558A>G (p.Ser1186=)

Gene: RYR2 (ryanodine receptor 2; plus strand). Cytogenetic location: 1q43.
Variant type: single nucleotide variant.
Coding change: c.3558A>G on transcript NM_001035.3 (MANE Select); coding-DNA position 3558, A replaced by G.
Protein change: p.Ser1186=; no amino-acid change (serine 1186 retained).
Molecular consequence: synonymous variant.
Genome position (GRCh38, 1-based): chr1:237,569,279, A>G. VCF-style: chr1-237569279-A-G. GRCh37 (hg19) VCF-style: chr1-237732579-A-G.
Identifiers: ClinVar variation 3070058 (VCV003070058.2), dbSNP rs2148276127, ClinGen allele CA423818168.

ClinVar aggregate classification (germline): Conflicting classifications of pathogenicity. Review status: criteria provided, conflicting classifications (1 of 4 stars). 2 submissions from 2 submitters: Uncertain significance (1); Likely benign (1). Last evaluated 2025-05-27.

Conditions:
Cardiomyopathy (CMYO). Also called: Cardiomyopathies. Identifiers: Orphanet 167848, MedGen C0878544, MONDO:0004994, HP:0001638. Inheritance: Various modes of inheritance.
Catecholaminergic polymorphic ventricular tachycardia (CVPT). Also called: Catecholamine-induced polymorphic ventricular tachycardia. Identifiers: Orphanet 3286, MedGen C5574922, MONDO:0017990.

Submissions (2):

Color Diagnostics, LLC DBA Color Health
Classification: Likely benign for Cardiomyopathy. Last evaluated: 2025-05-27. Review status: criteria provided, single submitter. Criteria: ACMG Guidelines, 2015. Collection method: clinical testing. Allele origin: germline.

All of Us Research Program, National Institutes of Health
Classification: Uncertain significance for Catecholaminergic polymorphic ventricular tachycardia. Last evaluated: 2023-04-03. Review status: criteria provided, single submitter. Criteria: ACMG Guidelines, 2015. Collection method: clinical testing. Allele origin: germline. Inheritance: Autosomal dominant inheritance. Observed: 1 variant allele, 1 heterozygote.
Comment: This variant is located in the RYR2 protein. To our knowledge, functional studies have not been reported for this variant. This variant has not been reported in individuals affected with RYR2-related disorders in the literature. This variant has not been identified in the general population by the Genome Aggregation Database (gnomAD). The available evidence is insufficient to determine the role of this variant in disease conclusively. Therefore, this variant is classified as a Variant of Uncertain Significance.

This study involves interpretation of variants in research participants for the purpose of population health screening. Participant phenotype was not available at the time of variant classification. Additional details can be found in publication PMID: 35346344, PMCID: PMC8962531